The following is an entry in ClinVar:

ClinVar aggregate classification (germline): Uncertain significance (1 of 4 stars; one submission).

Submission:

Labcorp Genetics (formerly Invitae), Labcorp
Classification: Uncertain significance. Last evaluated: 2022-09-01. Review status: criteria provided, single submitter. Criteria: Invitae Variant Classification Sherloc (09022015). Collection method: clinical testing. Allele origin: germline.
Comment: This variant has not been reported in the literature in individuals affected with TOPORS-related conditions. In summary, the available evidence is currently insufficient to determine the role of this variant in disease. Therefore, it has been classified as a Variant of Uncertain Significance. Experimental studies and prediction algorithms are not available or were not evaluated, and the functional significance of this variant is currently unknown. ClinVar contains an entry for this variant (Variation ID: 1353350). This variant is not present in population databases (gnomAD no frequency). This sequence change creates a premature translational stop signal (p.Ser1013Valfs*21) in the TOPORS gene. While this is not anticipated to result in nonsense mediated decay, it is expected to disrupt the last 33 amino acid(s) of the TOPORS protein.

NM_005802.5(TOPORS):c.3036del (p.Ser1013fs)

Gene: TOPORS (TOP1 binding arginine/serine rich protein, E3 ubiquitin ligase; minus strand). Cytogenetic location: 9p21.1.
Variant type: Deletion.
Coding change: c.3036del on transcript NM_005802.5 (MANE Select); coding-DNA position 3036, one base deleted (C; older notation c.3036delC).
Protein change: p.Ser1013fs; shifts the reading frame from serine 1013.
Molecular consequence: frameshift variant.
Genome position (GRCh38, 1-based): chr9:32,541,489, G deleted on the plus strand (C on the coding strand, the reverse complement: TOPORS is on the minus strand); the first of 3 consecutive G bases (chr9:32,541,489-32,541,491); deleting any one gives the same sequence. VCF-style (leftmost placement, unchanged base first): chr9-32541488-TG-T. GRCh37 (hg19) VCF-style: chr9-32541486-TG-T.
Other names: c.2841del, p.Ser948fs (NM_001195622.2); short protein forms S948fs, S1013fs.
Identifiers: ClinVar variation 1353350 (VCV001353350.6), dbSNP rs2118964049, ClinGen allele CA2573144631.